The following is an entry in ClinVar:

NM_000302.4(PLOD1):c.1646del (p.Glu549fs)

Gene: PLOD1 (procollagen-lysine,2-oxoglutarate 5-dioxygenase 1; plus strand). Cytogenetic location: 1p36.22.
Variant type: Deletion.
Coding change: c.1646del on transcript NM_000302.4 (MANE Select); coding-DNA position 1646, one base deleted (A; older notation c.1646delA).
Protein change: p.Glu549fs; shifts the reading frame from glutamic acid 549.
Molecular consequence: frameshift variant.
Genome position (GRCh38, 1-based): chr1:11,966,312, A deleted. VCF-style (leftmost placement, unchanged base first): chr1-11966311-GA-G. GRCh37 (hg19) VCF-style: chr1-12026368-GA-G.
Other names: c.1787del, p.Glu596fs (NM_001316320.2); short protein forms E549fs, E596fs.
Identifiers: ClinVar variation 1454300 (VCV001454300.6), dbSNP rs2100760068, ClinGen allele CA2573130766.

ClinVar aggregate classification (germline): Pathogenic (1 of 4 stars; one submission).

Conditions:
Ehlers-Danlos syndrome, kyphoscoliotic type 1 (EDSKSCL1). Also called: EHLERS-DANLOS SYNDROME, TYPE VIA; PLOD1-Related Kyphoscoliotic Ehlers-Danlos Syndrome; EHLERS-DANLOS SYNDROME, OCULAR-SCOLIOTIC TYPE; Ehlers-Danlos syndrome, hydroxylysine-deficient. Identifiers: Orphanet 1900, MedGen C0268342, MONDO:0016002, OMIM 225400. Disease mechanism: loss of function.

Allele frequency attached by ClinVar (database versions not stated): gnomAD exomes 0.00001.

Submission:

Labcorp Genetics (formerly Invitae), Labcorp
Classification: Pathogenic for Ehlers-Danlos syndrome, kyphoscoliotic type 1. Last evaluated: 2023-02-22. Review status: criteria provided, single submitter. Criteria: Invitae Variant Classification Sherloc (09022015). Collection method: clinical testing. Allele origin: germline.
Comment: ClinVar contains an entry for this variant (Variation ID: 1454300). This variant has not been reported in the literature in individuals affected with PLOD1-related conditions. This variant is not present in population databases (gnomAD no frequency). This sequence change creates a premature translational stop signal (p.Glu549Glyfs*55) in the PLOD1 gene. It is expected to result in an absent or disrupted protein product. Loss-of-function variants in PLOD1 are known to be pathogenic (PMID: 10874315, 21699693). For these reasons, this variant has been classified as Pathogenic.

Literature cited by the submitters: PubMed 10874315; PubMed 21699693.